The following is an entry in ClinVar:

NM_001164508.2(NEB):c.2573C>T (p.Ala858Val)

Gene: NEB (nebulin; minus strand). Cytogenetic location: 2q23.3.
Variant type: single nucleotide variant.
Coding change: c.2573C>T on transcript NM_001164508.2 (MANE Select); coding-DNA position 2573, C replaced by T.
Protein change: p.Ala858Val; replaces alanine 858 with valine.
Molecular consequence: missense variant.
Genome position (GRCh38, 1-based): chr2:151,687,483, G>A on the plus strand (C>T on the coding strand, the complement: NEB is on the minus strand). VCF-style: chr2-151687483-G-A. GRCh37 (hg19) VCF-style: chr2-152543997-G-A.
Other names: c.2573C>T, p.Ala858Val (NM_001164507.2, NM_001271208.2, NM_004543.5); short protein forms A858V.
Identifiers: ClinVar variation 284306 (VCV000284306.25), dbSNP rs372217127, ClinGen allele CA1911186.

ClinVar aggregate classification (germline): Conflicting classifications of pathogenicity. Review status: criteria provided, conflicting classifications (1 of 4 stars). 9 submissions from 9 submitters: Uncertain significance (6); Likely benign (1). 2 of the submissions do not count toward it. Last evaluated 2026-04-23.

Conditions:
Inborn genetic diseases. Identifiers: MedGen C0950123, MeSH D030342.
NEB-related disorder. Also called: NEB-Related Disorders; NEB-related condition.
Nemaline myopathy 2 (NEM2). Also called: Nemaline myopathy 2, autosomal recessive. Identifiers: MedGen C1850569, MONDO:0009725, OMIM 256030.

Allele frequency attached by ClinVar (database versions not stated): gnomAD exomes 0.00008 and 0.00016; gnomAD 0.00009 and 0.00010; ESP Exome Variant Server 0.00008; ExAC 0.00016; TOPMed 0.00017.
gnomAD v4.1: 139 of 1,613,792 alleles (0.0086%); highest among the groups gnomAD compares: Middle Eastern, 0.13%; 1 homozygote.

Submissions (9):

Ambry Genetics
Classification: Uncertain significance for Inborn genetic diseases. Last evaluated: 2026-04-23. Review status: criteria provided, single submitter. Criteria: Ambry Variant Classification Scheme 2023. Collection method: clinical testing. Allele origin: germline.
Comment: The c.2573C>T (p.A858V) alteration is located in exon 27 (coding exon 25) of the NEB gene. This alteration results from a C to T substitution at nucleotide position 2573, causing the alanine (A) at amino acid position 858 to be replaced by a valine (V). Based on data from gnomAD, the T allele has an overall frequency of 0.015% (42/280574) total alleles studied. The highest observed frequency was 0.232% (24/10350) of Ashkenazi Jewish alleles. Based on insufficient or conflicting evidence, the clinical significance of this alteration remains unclear.

Women's Health and Genetics/Laboratory Corporation of America, LabCorp
Classification: Uncertain significance. Last evaluated: 2026-01-27. Review status: criteria provided, single submitter. Criteria: LabCorp Variant Classification Summary - May 2015. Collection method: clinical testing. Allele origin: germline.
Comment: Variant summary: NEB c.2573C>T (p.Ala858Val) results in a non-conservative amino acid change in the encoded protein sequence. Algorithms developed to predict the effect of missense changes on protein structure and function are either unavailable or do not agree on the potential impact of this missense change. The variant allele was found at a frequency of 0.00016 in 249188 control chromosomes. This frequency is not significantly higher than estimated for disease-causing variants in NEB, allowing no conclusion about variant significance. To our knowledge, no occurrence of c.2573C>T in individuals affected with NEB-related conditions and no experimental evidence demonstrating its impact on protein function have been reported. ClinVar contains an entry for this variant (Variation ID: 284306). Based on the evidence outlined above, the variant was classified as uncertain significance.

Labcorp Genetics (formerly Invitae), Labcorp
Classification: Uncertain significance for Nemaline myopathy 2. Last evaluated: 2022-09-27. Review status: criteria provided, single submitter. Criteria: Invitae Variant Classification Sherloc (09022015). Collection method: clinical testing. Allele origin: germline.
Comment: This sequence change replaces alanine, which is neutral and non-polar, with valine, which is neutral and non-polar, at codon 858 of the NEB protein (p.Ala858Val). This variant is present in population databases (rs372217127, gnomAD 0.2%). This variant has not been reported in the literature in individuals affected with NEB-related conditions. ClinVar contains an entry for this variant (Variation ID: 284306). Algorithms developed to predict the effect of missense changes on protein structure and function are either unavailable or do not agree on the potential impact of this missense change (SIFT: "Deleterious"; PolyPhen-2: "Not Available"; Align-GVGD: "Class C0"). In summary, the available evidence is currently insufficient to determine the role of this variant in disease. Therefore, it has been classified as a Variant of Uncertain Significance.

Revvity Omics, Revvity
Classification: Uncertain significance. Last evaluated: 2020-12-04. Review status: criteria provided, single submitter. Criteria: ACMG Guidelines, 2015. Collection method: clinical testing. Allele origin: germline.

GeneDx
Classification: Likely benign. Last evaluated: 2020-02-14. Review status: criteria provided, single submitter. Criteria: GeneDx Variant Classification Process June 2021. Collection method: clinical testing. Allele origin: germline. Affected: yes.

Illumina Laboratory Services, Illumina
Classification: Uncertain significance for Nemaline myopathy 2. Last evaluated: 2017-04-27. Review status: criteria provided, single submitter. Criteria: ICSL Variant Classification Criteria 13 December 2019. Collection method: clinical testing. Allele origin: germline.

Eurofins Ntd Llc (ga)
Classification: Uncertain significance. Last evaluated: 2015-11-13. Review status: criteria provided, single submitter. Criteria: EGL Classification Definitions 2015. Collection method: clinical testing. Allele origin: germline. Observed: 2 variant alleles, 2 heterozygotes.

PreventionGenetics, part of Exact Sciences
Classification: Likely benign for NEB-related condition. Last evaluated: 2022-05-19. Review status: no assertion criteria provided. Collection method: clinical testing. Allele origin: germline. Not counted in ClinVar's aggregate classification.
Comment: This variant is classified as likely benign based on ACMG/AMP sequence variant interpretation guidelines (Richards et al. 2015 PMID: 25741868, with internal and published modifications).

Natera, Inc.
Classification: Uncertain significance for Nemaline myopathy type 2. Last evaluated: 2019-11-11. Review status: no assertion criteria provided. Collection method: clinical testing. Allele origin: germline. Not counted in ClinVar's aggregate classification.